The following is an entry in ClinVar:

ClinVar aggregate classification (germline): Uncertain significance. Review status: criteria provided, multiple submitters, no conflicts (2 of 4 stars). 2 submissions from 2 submitters: Uncertain significance (2). Last evaluated 2025-11-20.

Conditions:
Combined oxidative phosphorylation deficiency 55 (COXPD55). Identifiers: MedGen C5676915, MONDO:0859228, OMIM 619743.

Allele frequency attached by ClinVar (database versions not stated): ExAC 0.00001.
gnomAD v4.1: 25 of 1,608,398 alleles (0.0016%); highest among the groups gnomAD compares: Non-Finnish European, 0.002%; no homozygotes.

Submissions (2):

Ambry Genetics
Classification: Uncertain significance. Last evaluated: 2025-11-20. Review status: criteria provided, single submitter. Criteria: Ambry Variant Classification Scheme 2023. Collection method: clinical testing. Allele origin: germline.

Clinical Genomics Laboratory, Washington University in St. Louis
Classification: Uncertain significance for Combined oxidative phosphorylation deficiency 55. Last evaluated: 2024-04-05. Review status: criteria provided, single submitter. Criteria: ACMG Guidelines, 2015. Collection method: clinical testing. Allele origin: germline. Affected: yes.
Comment: The POLRMT c.3073G>A (p.Val1025Met) variant, to our knowledge, has not been reported in the medical literature. Computational predictors suggest that the variant does not impact POLRMT function. This variant is only observed on 3/280,508 alleles in the general population (gnomAD v.2.1.1), indicating it is not a common variant. Due to limited information, and based on ACMG/AMP guidelines for variant interpretation (Richards S et al., PMID: 25741868), the clinical significance of this variant is uncertain at this time.

NM_005035.4(POLRMT):c.3073G>A (p.Val1025Met)

Gene: POLRMT (RNA polymerase mitochondrial; minus strand). Cytogenetic location: 19p13.3.
Variant type: single nucleotide variant.
Coding change: c.3073G>A on transcript NM_005035.4 (MANE Select); coding-DNA position 3073, G replaced by A.
Protein change: p.Val1025Met; replaces valine 1025 with methionine.
Molecular consequence: missense variant. On other transcripts: non-coding transcript variant (1), intron variant (2).
Genome position (GRCh38, 1-based): chr19:619,290, C>T on the plus strand (G>A on the coding strand, the complement: POLRMT is on the minus strand). VCF-style: chr19-619290-C-T. GRCh37 (hg19) VCF-style: chr19-619290-C-T.
Other names: c.3073G>A (NM_005035.3); c.3073G>A, p.Val1025Met (NM_001407805.1, NM_001407816.1); c.3064G>A, p.Val1022Met (NM_001407806.1, NM_001407809.1); c.3061G>A, p.Val1021Met (NM_001407807.1, NM_001407810.1); c.3082G>A, p.Val1028Met (NM_001407808.1); c.3031G>A, p.Val1011Met (NM_001407811.1, NM_001407813.1); c.2995G>A, p.Val999Met (NM_001407814.1, NM_001407815.1); c.2950G>A, p.Val984Met (NM_001407829.1); and 6 more; short protein forms V1011M, V1021M, V1022M, V1025M, V1028M, V891M, V914M, V917M.
Identifiers: ClinVar variation 3236594 (VCV003236594.2), dbSNP rs752978156, ClinGen allele CA9019517.